The following is an entry in ClinVar:

NM_015158.5(KANK1):c.1678G>A (p.Val560Ile)

Gene: KANK1 (KN motif and ankyrin repeat domains 1; plus strand). Cytogenetic location: 9p24.3.
Variant type: single nucleotide variant.
Coding change: c.1678G>A on transcript NM_015158.5 (MANE Select); coding-DNA position 1678, G replaced by A.
Protein change: p.Val560Ile; replaces valine 560 with isoleucine.
Molecular consequence: missense variant. On other transcripts: non-coding transcript variant (1).
Genome position (GRCh38, 1-based): chr9:712,444, G>A. VCF-style: chr9-712444-G-A. GRCh37 (hg19) VCF-style: chr9-712444-G-A.
Other names: c.1678G>A (NM_015158.2); c.1678G>A, p.Val560Ile (NM_001256876.3, NM_001256877.3, NM_001354331.2 and 2 more transcripts); c.1204G>A, p.Val402Ile (NM_001354333.2, NM_001354335.2, NM_001354336.2 and 9 more transcripts); short protein forms V560I, V402I.
Identifiers: ClinVar variation 2143556 (VCV002143556.6), dbSNP rs138599856, ClinGen allele CA4960285.

ClinVar aggregate classification (germline): Uncertain significance. Review status: criteria provided, multiple submitters, no conflicts (2 of 4 stars). 2 submissions from 2 submitters: Uncertain significance (2). Last evaluated 2025-10-19.

Allele frequency attached by ClinVar (database versions not stated): ExAC 0.00002; gnomAD exomes 0.00002; ESP Exome Variant Server 0.00015; gnomAD 0.00021; TOPMed 0.00030.
gnomAD v4.1: 64 of 1,614,054 alleles (0.004%); highest among the groups gnomAD compares: Admixed American, 0.043%; no homozygotes.

Submissions (2):

Labcorp Genetics (formerly Invitae), Labcorp
Classification: Uncertain significance. Last evaluated: 2025-10-19. Review status: criteria provided, single submitter. Criteria: Invitae Variant Classification Sherloc (09022015). Collection method: clinical testing. Allele origin: germline.
Comment: This sequence change replaces valine, which is neutral and non-polar, with isoleucine, which is neutral and non-polar, at codon 560 of the KANK1 protein (p.Val560Ile). This variant is present in population databases (rs138599856, gnomAD 0.02%). This variant has not been reported in the literature in individuals affected with KANK1-related conditions. ClinVar contains an entry for this variant (Variation ID: 2143556). Invitae Evidence Modeling of protein sequence and biophysical properties (such as structural, functional, and spatial information, amino acid conservation, physicochemical variation, residue mobility, and thermodynamic stability) indicates that this missense variant is expected to disrupt KANK1 protein function with a positive predictive value of 80%. In summary, the available evidence is currently insufficient to determine the role of this variant in disease. Therefore, it has been classified as a Variant of Uncertain Significance.

Ambry Genetics
Classification: Uncertain significance. Last evaluated: 2023-08-21. Review status: criteria provided, single submitter. Criteria: Ambry Variant Classification Scheme 2023. Collection method: clinical testing. Allele origin: germline.